The following is an entry in ClinVar:

NM_002691.4(POLD1):c.1645C>A (p.Arg549Ser)

Gene: POLD1 (DNA polymerase delta 1, catalytic subunit; plus strand). Cytogenetic location: 19q13.33.
Variant type: single nucleotide variant.
Coding change: c.1645C>A on transcript NM_002691.4 (MANE Select); coding-DNA position 1645, C replaced by A.
Protein change: p.Arg549Ser; replaces arginine 549 with serine.
Molecular consequence: missense variant. On other transcripts: non-coding transcript variant (1).
Genome position (GRCh38, 1-based): chr19:50,407,133, C>A. VCF-style: chr19-50407133-C-A. GRCh37 (hg19) VCF-style: chr19-50910390-C-A.
Other names: c.1645C>A, p.Arg549Ser (NM_001256849.1, NM_001308632.1); short protein forms R549S.
Identifiers: ClinVar variation 970469 (VCV000970469.9), dbSNP rs775734510, ClinGen allele CA406981041.
Genomic context (GRCh38, chr19:50,407,133, plus strand): 5'-CTGGTGAACGCCGTGGAGATGGCGAGGGTCACTGGCGTGCCCCTCAGCTACCTGCTCAGT[C>A]GTGGCCAGCAGGTCAAGGTCGTATCCCAGCTGTTGCGGCAGGTCAGTAGCCGAGACTTGT-3'
Protein context (NP_002682.2, residues 539-559): TGVPLSYLLS[Arg549Ser]GQQVKVVSQL

ClinVar aggregate classification (germline): Uncertain significance (1 of 4 stars; one submission).

Conditions:
POLD1-related polyposis and colorectal cancer syndrome (CRCS10). Also called: Colorectal cancer 10; COLORECTAL CANCER, SUSCEPTIBILITY TO, ON CHROMOSOME 19q; Colorectal cancer, susceptibility to, 10. Identifiers: Orphanet 220460, MedGen C2675481, MONDO:0012953, OMIM 612591.

gnomAD v4.1: 1 of 1,612,916 alleles (0.000062%); highest among the groups gnomAD compares: Non-Finnish European, 0.000085%; no homozygotes.

Submission:

Labcorp Genetics (formerly Invitae), Labcorp
Classification: Uncertain significance for POLD1-related polyposis and colorectal cancer syndrome. Last evaluated: 2019-11-04. Review status: criteria provided, single submitter. Criteria: Invitae Variant Classification Sherloc (09022015). Collection method: clinical testing. Allele origin: germline.
Comment: This variant has not been reported in the literature in individuals with POLD1-related conditions. This variant is not present in population databases (ExAC no frequency). This sequence change replaces arginine with serine at codon 549 of the POLD1 protein (p.Arg549Ser). The arginine residue is highly conserved and there is a moderate physicochemical difference between arginine and serine. In summary, the available evidence is currently insufficient to determine the role of this variant in disease. Therefore, it has been classified as a Variant of Uncertain Significance. Algorithms developed to predict the effect of missense changes on protein structure and function (SIFT, PolyPhen-2, Align-GVGD) all suggest that this variant is likely to be disruptive, but these predictions have not been confirmed by published functional studies and their clinical significance is uncertain.